The following is an entry in ClinVar:

NM_020822.3(KCNT1):c.130G>T (p.Gly44Cys)

Gene: KCNT1 (potassium sodium-activated channel subfamily T member 1; plus strand). Cytogenetic location: 9q34.3.
Variant type: single nucleotide variant.
Coding change: c.130G>T on transcript NM_020822.3 (MANE Select); coding-DNA position 130, G replaced by T.
Protein change: p.Gly44Cys; replaces glycine 44 with cysteine.
Molecular consequence: missense variant. On other transcripts: intron variant (1).
Genome position (GRCh38, 1-based): chr9:135,714,596, G>T. VCF-style: chr9-135714596-G-T. GRCh37 (hg19) VCF-style: chr9-138606442-G-T.
Other names: c.110+12228G>T (NM_001272003.2); short protein forms G44C.
Identifiers: ClinVar variation 473358 (VCV000473358.33), dbSNP rs773228285, ClinGen allele CA5326286.

ClinVar aggregate classification (germline): Likely benign. Review status: criteria provided, multiple submitters, no conflicts (2 of 4 stars). 8 submissions from 7 submitters: Likely benign (6). 2 of the submissions do not count toward it. Last evaluated 2025-12-01.

Conditions:
Developmental and epileptic encephalopathy, 14 (DEE14). Also called: Early infantile epileptic encephalopathy 14. Identifiers: Orphanet 293181, MedGen C3554195, MONDO:0013989, OMIM 614959.
Autosomal dominant nocturnal frontal lobe epilepsy 5. Also called: KCNT1-Related Epilepsy; CILIARY DYSKINESIA, PRIMARY, 28, WITHOUT SITUS INVERSUS; CILIARY DYSKINESIA, PRIMARY, 28, WITH SITUS INVERSUS; Epilepsy, nocturnal frontal lobe, 5. Identifiers: Orphanet 98784, MedGen C3554306, MONDO:0014002, OMIM 615005.

Allele frequency attached by ClinVar (database versions not stated): gnomAD 0.00003 and 0.00005; TOPMed 0.00004.
gnomAD v4.1: 135 of 1,395,890 alleles (0.0097%); highest among the groups gnomAD compares: Middle Eastern, 0.13%; no homozygotes.

Submissions (8):

CeGaT Center for Human Genetics Tuebingen
Classification: Likely benign. Last evaluated: 2025-12-01. Review status: criteria provided, single submitter. Criteria: CeGaT Center For Human Genetics Tuebingen Variant Classification Criteria Version 2. Collection method: clinical testing. Allele origin: germline. Affected: yes. Observed: 2 variant alleles.
Comment: KCNT1: BS2

Labcorp Genetics (formerly Invitae), Labcorp
Classification: Likely benign for Autosomal dominant nocturnal frontal lobe epilepsy 5; Developmental and epileptic encephalopathy, 14. Last evaluated: 2025-10-02. Review status: criteria provided, single submitter. Criteria: Invitae Variant Classification Sherloc (09022015). Collection method: clinical testing. Allele origin: germline.

Blueprint Genetics
Classification: Likely benign. Last evaluated: 2024-06-05. Review status: criteria provided, single submitter. Criteria: ACMG Guidelines, 2015. Collection method: clinical testing. Allele origin: germline.

Genome-Nilou Lab
Classification: Likely benign for Developmental and epileptic encephalopathy, 14. Last evaluated: 2022-03-15. Review status: criteria provided, single submitter. Criteria: ACMG Guidelines, 2015. Collection method: clinical testing. Allele origin: germline. Affected: no.

Genome-Nilou Lab
Classification: Likely benign for Autosomal dominant nocturnal frontal lobe epilepsy 5. Last evaluated: 2022-03-15. Review status: criteria provided, single submitter. Criteria: ACMG Guidelines, 2015. Collection method: clinical testing. Allele origin: germline. Affected: no.

GeneDx
Classification: Likely benign. Last evaluated: 2021-01-29. Review status: criteria provided, single submitter. Criteria: GeneDx Variant Classification Process June 2021. Collection method: clinical testing. Allele origin: germline. Affected: yes.

Genome Diagnostics Laboratory, University Medical Center Utrecht
Classification: Likely benign. Review status: no assertion criteria provided. Collection method: clinical testing. Allele origin: germline. Affected: yes. Study: VKGL Data-share Consensus. Not counted in ClinVar's aggregate classification.

Laboratory of Diagnostic Genome Analysis, Leiden University Medical Center (LUMC)
Classification: Likely benign. Review status: no assertion criteria provided. Collection method: clinical testing. Allele origin: germline. Affected: yes. Study: VKGL Data-share Consensus. Not counted in ClinVar's aggregate classification.